The following is an entry in ClinVar:

ClinVar aggregate classification (germline): Uncertain significance (1 of 4 stars; one submission).

Conditions:
Primary ciliary dyskinesia. Also called: Ciliary dyskinesia. Identifiers: Orphanet 244, MedGen C0008780, MONDO:0016575, HP:0012265.

Allele frequency attached by ClinVar (database versions not stated): gnomAD exomes below 0.00001; ExAC 0.00001; gnomAD 0.00001; TOPMed 0.00001; ESP Exome Variant Server 0.00008.

Submission:

Labcorp Genetics (formerly Invitae), Labcorp
Classification: Uncertain significance for Primary ciliary dyskinesia. Last evaluated: 2023-08-05. Review status: criteria provided, single submitter. Criteria: Invitae Variant Classification Sherloc (09022015). Collection method: clinical testing. Allele origin: germline.
Comment: In summary, the available evidence is currently insufficient to determine the role of this variant in disease. Therefore, it has been classified as a Variant of Uncertain Significance. Algorithms developed to predict the effect of missense changes on protein structure and function output the following: SIFT: "Not Available"; PolyPhen-2: "Benign"; Align-GVGD: "Not Available". The valine amino acid residue is found in multiple mammalian species, which suggests that this missense change does not adversely affect protein function. ClinVar contains an entry for this variant (Variation ID: 957147). This variant has not been reported in the literature in individuals affected with RSPH4A-related conditions. This variant is present in population databases (rs372113802, gnomAD 0.0009%). This sequence change replaces alanine, which is neutral and non-polar, with valine, which is neutral and non-polar, at codon 45 of the RSPH4A protein (p.Ala45Val).

NM_001010892.3(RSPH4A):c.134C>T (p.Ala45Val)

Genes: RSPH4A (radial spoke head component 4A; plus strand), LOC129997052 (ATAC-STARR-seq lymphoblastoid active region 24998; plus strand). Cytogenetic location: 6q22.1.
Variant type: single nucleotide variant.
Coding change: c.134C>T on transcript NM_001010892.3 (MANE Select); coding-DNA position 134, C replaced by T.
Protein change: p.Ala45Val; replaces alanine 45 with valine.
Molecular consequence: missense variant.
Genome position (GRCh38, 1-based): chr6:116,616,757, C>T. VCF-style: chr6-116616757-C-T. GRCh37 (hg19) VCF-style: chr6-116937920-C-T.
Other names: c.134C>T, p.Ala45Val (NM_001161664.2); short protein forms A45V.
Identifiers: ClinVar variation 957147 (VCV000957147.9), dbSNP rs372113802, ClinGen allele CA3970707.
Genomic context (GRCh38, chr6:116,616,757, plus strand): 5'-AAGGAAAGACAGCAGCTTCTCCCCAATATTCTGAGCCTGAGTCGTCTGAGCCCTTGGAGG[C>T]GAAGCAGGGGCCAGAAACTGGACGCCAGTCCCGAAGCAGCCGTCCTTGGAGCCCGCAGTC-3'
Protein context (NP_001010892.1, residues 35-55): SEPESSEPLE[Ala45Val]KQGPETGRQS